The following is an entry in ClinVar:

NM_022841.7(RFX7):c.1238A>C (p.Gln413Pro)

Gene: RFX7 (regulatory factor X7; minus strand). Cytogenetic location: 15q21.3.
Variant type: single nucleotide variant.
Coding change: c.1238A>C on transcript NM_022841.7 (MANE Select); coding-DNA position 1238, A replaced by C.
Protein change: p.Gln413Pro; replaces glutamine 413 with proline.
Molecular consequence: missense variant.
Genome position (GRCh38, 1-based): chr15:56,096,490, T>G on the plus strand (A>C on the coding strand, the complement: RFX7 is on the minus strand). VCF-style: chr15-56096490-T-G. GRCh37 (hg19) VCF-style: chr15-56388688-T-G.
Other names: c.947A>C, p.Gln316Pro (NM_001368073.2, NM_001368074.1, NM_001370554.1); c.1238A>C, p.Gln413Pro (NM_001370561.1); short protein forms Q316P, Q413P.
Identifiers: ClinVar variation 4993504 (VCV004993504.1).

ClinVar aggregate classification (germline): Uncertain significance (1 of 4 stars; one submission).

Conditions:
RFX7-related disorder. Also called: RFX7-related condition.

Submission:

PreventionGenetics, part of Exact Sciences
Classification: Uncertain significance for RFX7-related condition. Last evaluated: 2025-09-11. Review status: criteria provided, single submitter. Criteria: ACMG Guidelines, 2015. Collection method: clinical testing. Allele origin: germline.
Comment: The RFX7 c.1238A>C variant is predicted to result in the amino acid substitution p.Gln413Pro. To our knowledge, this variant has not been reported in the literature or in a large population database (gnomAD), indicating this variant is rare. At this time, the clinical significance of this variant is uncertain due to the absence of conclusive functional and genetic evidence.